The following is an entry in ClinVar:

ClinVar aggregate classification (germline): Uncertain significance. Review status: criteria provided, multiple submitters, no conflicts (2 of 4 stars). 2 submissions from 2 submitters: Uncertain significance (2). Last evaluated 2025-09-24.

Conditions:
ABri amyloidosis (FBD). Also called: PRESENILE DEMENTIA WITH SPASTIC ATAXIA; CEREBRAL AMYLOID ANGIOPATHY, ITM2B-RELATED, 1; CEREBRAL AMYLOID ANGIOPATHY, BRITISH TYPE. Identifiers: Orphanet 439254, Orphanet 97345, MedGen C5190835, MONDO:0008306, OMIM 176500.
ADan amyloidosis. Also called: HEREDOPATHIA OPHTHALMOOTOENCEPHALICA; CEREBRAL AMYLOID ANGIOPATHY, ITM2B-RELATED, 2; CEREBELLAR ATAXIA, CATARACT, DEAFNESS, AND DEMENTIA OR PSYCHOSIS. Identifiers: Orphanet 439254, Orphanet 97346, MedGen C1861735, MONDO:0007297, OMIM 117300.
Retinal dystrophy with inner retinal dysfunction and ganglion cell anomalies. Also called: Retinal dystrophy with inner retinal dysfunction and ganglion cell abnormalities. Identifiers: Orphanet 397758, MedGen C4015146, MONDO:0014483, OMIM 616079.

Allele frequency attached by ClinVar (database versions not stated): 1000 Genomes Project 30x 0.00016.
gnomAD v4.1: 162 of 1,535,992 alleles (0.011%); highest among the groups gnomAD compares: Admixed American, 0.022%; no homozygotes.

Submissions (2):

Labcorp Genetics (formerly Invitae), Labcorp
Classification: Uncertain significance. Last evaluated: 2025-09-24. Review status: criteria provided, single submitter. Criteria: Invitae Variant Classification Sherloc (09022015). Collection method: clinical testing. Allele origin: germline.
Comment: This sequence change replaces proline, which is neutral and non-polar, with arginine, which is basic and polar, at codon 31 of the ITM2B protein (p.Pro31Arg). This variant is present in population databases (rs150336652, gnomAD 0.04%), and has an allele count higher than expected for a pathogenic variant. This missense change has been observed in individual(s) with small vessel disease stroke (PMID: 31719132). ClinVar contains an entry for this variant (Variation ID: 1353049). An algorithm developed to predict the effect of missense changes on protein structure and function (PolyPhen-2) suggests that this variant is likely to be tolerated. In summary, the available evidence is currently insufficient to determine the role of this variant in disease. Therefore, it has been classified as a Variant of Uncertain Significance.

Fulgent Genetics
Classification: Uncertain significance for ADan amyloidosis; ABri amyloidosis; Retinal dystrophy with inner retinal dysfunction and ganglion cell anomalies. Last evaluated: 2021-12-14. Review status: criteria provided, single submitter. Criteria: ACMG Guidelines, 2015. Collection method: clinical testing. Allele origin: unknown.

Literature cited by the submitters: PubMed 31719132 (cited by Labcorp Genetics (formerly Invitae), Labcorp).

NM_021999.5(ITM2B):c.92C>G (p.Pro31Arg)

Genes: ITM2B (integral membrane protein 2B; plus strand), LOC130009752 (ATAC-STARR-seq lymphoblastoid silent region 5332; plus strand). Cytogenetic location: 13q14.2.
Variant type: single nucleotide variant.
Coding change: c.92C>G on transcript NM_021999.5 (MANE Select); coding-DNA position 92, C replaced by G.
Protein change: p.Pro31Arg; replaces proline 31 with arginine.
Molecular consequence: missense variant.
Genome position (GRCh38, 1-based): chr13:48,233,452, C>G. VCF-style: chr13-48233452-C-G. GRCh37 (hg19) VCF-style: chr13-48807588-C-G.
Other names: short protein forms P31R.
Identifiers: ClinVar variation 1353049 (VCV001353049.7), dbSNP rs150336652, ClinGen allele CA6978684.